The following is an entry in ClinVar:

NM_003640.5(ELP1):c.3461-2A>G

Gene: ELP1 (elongator acetyltransferase complex subunit 1; minus strand). Cytogenetic location: 9q31.3.
Variant type: single nucleotide variant.
Coding change: c.3461-2A>G on transcript NM_003640.5 (MANE Select); the canonical splice acceptor site of the intron before coding-DNA position 3461, A replaced by G.
Molecular consequence: splice acceptor variant.
Genome position (GRCh38, 1-based): chr9:108,879,559, T>C on the plus strand (A>G on the coding strand, the complement: ELP1 is on the minus strand). VCF-style: chr9-108879559-T-C. GRCh37 (hg19) VCF-style: chr9-111641839-T-C.
Other names: c.3119-2A>G (NM_001318360.2); c.2414-2A>G (NM_001330749.2).
Identifiers: ClinVar variation 2762075 (VCV002762075.3), dbSNP rs1587872591, ClinGen allele CA374412023.

ClinVar aggregate classification (germline): Likely pathogenic (1 of 4 stars; one submission).

Submission:

Labcorp Genetics (formerly Invitae), Labcorp
Classification: Likely pathogenic. Last evaluated: 2023-09-20. Review status: criteria provided, single submitter. Criteria: Invitae Variant Classification Sherloc (09022015). Collection method: clinical testing. Allele origin: germline.
Comment: This variant has not been reported in the literature in individuals affected with ELP1-related conditions. In summary, the currently available evidence indicates that the variant is pathogenic, but additional data are needed to prove that conclusively. Therefore, this variant has been classified as Likely Pathogenic. Algorithms developed to predict the effect of sequence changes on RNA splicing suggest that this variant may disrupt the consensus splice site. This variant is not present in population databases (gnomAD no frequency). This sequence change affects an acceptor splice site in intron 32 of the ELP1 gene. It is expected to disrupt RNA splicing. Variants that disrupt the donor or acceptor splice site typically lead to a loss of protein function (PMID: 16199547), and loss-of-function variants in ELP1 are known to be pathogenic (PMID: 18303054, 24173031).

Literature cited by the submitters: PubMed 16199547; PubMed 18303054; PubMed 24173031.